The following is an entry in ClinVar:

NM_002900.3(RBP3):c.2780C>T (p.Ala927Val)

Gene: RBP3 (retinol binding protein 3; plus strand). Cytogenetic location: 10q11.22.
Variant type: single nucleotide variant.
Coding change: c.2780C>T on transcript NM_002900.3 (MANE Select); coding-DNA position 2780, C replaced by T.
Protein change: p.Ala927Val; replaces alanine 927 with valine.
Molecular consequence: missense variant.
Genome position (GRCh38, 1-based): chr10:47,351,264, C>T. VCF-style: chr10-47351264-C-T. GRCh37 (hg19) VCF-style: chr10-48388098-G-A.
Other names: short protein forms A927V.
Identifiers: ClinVar variation 1435713 (VCV001435713.8), dbSNP rs1390054797, ClinGen allele CA376675002.

ClinVar aggregate classification (germline): Uncertain significance (1 of 4 stars; one submission).

gnomAD v4.1: 2 of 1,613,414 alleles (0.00012%); highest among the groups gnomAD compares: Middle Eastern, 0.033%; no homozygotes.

Submission:

Labcorp Genetics (formerly Invitae), Labcorp
Classification: Uncertain significance. Last evaluated: 2024-02-24. Review status: criteria provided, single submitter. Criteria: Invitae Variant Classification Sherloc (09022015). Collection method: clinical testing. Allele origin: germline.
Comment: This sequence change replaces alanine, which is neutral and non-polar, with valine, which is neutral and non-polar, at codon 927 of the RBP3 protein (p.Ala927Val). This variant is not present in population databases (gnomAD no frequency). This variant has not been reported in the literature in individuals affected with RBP3-related conditions. ClinVar contains an entry for this variant (Variation ID: 1435713). An algorithm developed to predict the effect of missense changes on protein structure and function (PolyPhen-2) suggests that this variant is likely to be disruptive. In summary, the available evidence is currently insufficient to determine the role of this variant in disease. Therefore, it has been classified as a Variant of Uncertain Significance.